The following is an entry in ClinVar:

ClinVar aggregate classification (germline): Uncertain significance. Review status: criteria provided, multiple submitters, no conflicts (2 of 4 stars). 2 submissions from 2 submitters: Uncertain significance (2). Last evaluated 2025-11-06.

Conditions:
Inborn genetic diseases. Identifiers: MedGen C0950123, MeSH D030342.

gnomAD v4.1: 31 of 1,614,180 alleles (0.0019%); highest among the groups gnomAD compares: South Asian, 0.022%; no homozygotes.

Submissions (2):

Ambry Genetics
Classification: Uncertain significance for Inborn genetic diseases. Last evaluated: 2025-11-06. Review status: criteria provided, single submitter. Criteria: Ambry Variant Classification Scheme 2023. Collection method: clinical testing. Allele origin: germline.

Mayo Clinic Laboratories, Mayo Clinic
Classification: Uncertain significance. Last evaluated: 2025-10-17. Review status: criteria provided, single submitter. Criteria: ACMG Guidelines, 2015. Collection method: clinical testing. Allele origin: germline. Observed: 1 variant allele.
Comment: BP4

NM_013352.4(DSE):c.290G>A (p.Arg97His)

Gene: DSE (dermatan sulfate epimerase; plus strand). Cytogenetic location: 6q22.1.
Variant type: single nucleotide variant.
Coding change: c.290G>A on transcript NM_013352.4 (MANE Select); coding-DNA position 290, G replaced by A.
Protein change: p.Arg97His; replaces arginine 97 with histidine.
Molecular consequence: missense variant. On other transcripts: 5 prime UTR variant (4), non-coding transcript variant (1).
Genome position (GRCh38, 1-based): chr6:116,399,540, G>A. VCF-style: chr6-116399540-G-A. GRCh37 (hg19) VCF-style: chr6-116720703-G-A.
Other names: p.Arg97His; c.290G>A (NM_013352.2); c.290G>A, p.Arg97His (NM_001080976.3, NM_001322937.2, NM_001322938.2 and 3 more transcripts); c.347G>A, p.Arg116His (NM_001322939.2); c.-268G>A (NM_001322940.2, NM_001322941.2); c.-611G>A (NM_001374520.1); c.-298G>A (NM_001374521.1); short protein forms R116H, R97H.
Identifiers: ClinVar variation 4541201 (VCV004541201.1).
Genomic context (GRCh38, chr6:116,399,540, plus strand): 5'-CGATGCTGTCCAGCCCCTTGGAATACCTCCCTCCCTGGGATCCCAAGGACTACAGTGCCC[G>A]CTGGAATGAAATTTTTGGAAACAACTTGGGTGCCTTGGCAATGTTCTGTGTGCTGTATCC-3'
Protein context (NP_037484.1, residues 87-107): PPWDPKDYSA[Arg97His]WNEIFGNNLG